The following is an entry in ClinVar:

NM_000346.4(SOX9):c.600dup (p.Asn201fs)

Gene: SOX9 (SRY-box transcription factor 9; plus strand). Cytogenetic location: 17q24.3.
Variant type: Duplication.
Coding change: c.600dup on transcript NM_000346.4 (MANE Select); coding-DNA position 600, one base duplicated (C; older notation c.600dupC).
Protein change: p.Asn201fs; shifts the reading frame from asparagine 201.
Molecular consequence: frameshift variant.
Genome position (GRCh38, 1-based): chr17:72,122,887, C duplicated; the last of 5 consecutive C bases (chr17:72,122,883-72,122,887); duplicating any one gives the same sequence. VCF-style (leftmost placement, unchanged base first): chr17-72122882-T-TC. GRCh37 (hg19) VCF-style: chr17-70119023-T-TC.
Other names: short protein forms N201fs.
Identifiers: ClinVar variation 1452379 (VCV001452379.6), dbSNP rs2143246628, ClinGen allele CA645598908.
Genomic context (GRCh38, chr17:72,122,882, plus strand): 5'-AGGAAGTCGGTGAAGAACGGGCAGGCGGAGGCAGAGGAGGCCACGGAGCAGACGCACATC[T>TC]CCCCCAACGCCATCTTCAAGGCGCTGCAGGCCGACTCGCCACACTCCTCCTCCGGCATGA-3'

ClinVar aggregate classification (germline): Pathogenic (1 of 4 stars; one submission).

Conditions:
Camptomelic dysplasia (CMPD). Also called: CMPD1/SRA1; Campomelic Dysplasia. Identifiers: Orphanet 140, MedGen C1861922, MONDO:0007251, OMIM 114290.

Submission:

Labcorp Genetics (formerly Invitae), Labcorp
Classification: Pathogenic for Camptomelic dysplasia. Last evaluated: 2021-12-14. Review status: criteria provided, single submitter. Criteria: Invitae Variant Classification Sherloc (09022015). Collection method: clinical testing. Allele origin: germline.
Comment: This variant is not present in population databases (gnomAD no frequency). This sequence change creates a premature translational stop signal (p.Asn201Glnfs*51) in the SOX9 gene. While this is not anticipated to result in nonsense mediated decay, it is expected to disrupt the last 309 amino acid(s) of the SOX9 protein. This variant has not been reported in the literature in individuals affected with SOX9-related conditions. For these reasons, this variant has been classified as Pathogenic. This variant disrupts a region of the SOX9 protein in which other variant(s) (p.Arg394*) have been determined to be pathogenic (PMID: 31389106; Invitae). This suggests that this is a clinically significant region of the protein, and that variants that disrupt it are likely to be disease-causing.

Literature cited by the submitters: PubMed 31389106.